The following is an entry in ClinVar:

ClinVar aggregate classification (germline): Uncertain significance. Review status: criteria provided, multiple submitters, no conflicts (2 of 4 stars). 2 submissions from 2 submitters: Uncertain significance (2). Last evaluated 2025-04-25.

Conditions:
DNAJC13-related disorder. Also called: DNAJC13-related condition.

Allele frequency attached by ClinVar (database versions not stated): gnomAD 0.00004; ExAC 0.00006; gnomAD exomes 0.00006; TOPMed 0.00015; ESP Exome Variant Server 0.00023.
gnomAD v4.1: 99 of 1,605,238 alleles (0.0062%); highest among the groups gnomAD compares: South Asian, 0.0089%; no homozygotes.

Submissions (2):

Ambry Genetics
Classification: Uncertain significance. Last evaluated: 2025-04-25. Review status: criteria provided, single submitter. Criteria: Ambry Variant Classification Scheme 2023. Collection method: clinical testing. Allele origin: germline.

PreventionGenetics, part of Exact Sciences
Classification: Uncertain significance for DNAJC13-related condition. Last evaluated: 2023-02-20. Review status: criteria provided, single submitter. Criteria: ACMG Guidelines, 2015. Collection method: clinical testing. Allele origin: germline.
Comment: The DNAJC13 c.197C>T variant is predicted to result in the amino acid substitution p.Thr66Met. To our knowledge, this variant has not been reported in the literature. This variant is reported in 0.010% of alleles in individuals of South Asian descent in gnomAD. At this time, the clinical significance of this variant is uncertain due to the absence of conclusive functional and genetic evidence.

NM_015268.4(DNAJC13):c.197C>T (p.Thr66Met)

Gene: DNAJC13 (DnaJ heat shock protein family (Hsp40) member C13; plus strand). Cytogenetic location: 3q22.1.
Variant type: single nucleotide variant.
Coding change: c.197C>T on transcript NM_015268.4 (MANE Select); coding-DNA position 197, C replaced by T.
Protein change: p.Thr66Met; replaces threonine 66 with methionine.
Molecular consequence: missense variant.
Genome position (GRCh38, 1-based): chr3:132,447,373, C>T. VCF-style: chr3-132447373-C-T. GRCh37 (hg19) VCF-style: chr3-132166217-C-T.
Other names: c.197C>T, p.Thr66Met (NM_001329126.2); short protein forms T66M.
Identifiers: ClinVar variation 2634387 (VCV002634387.2), dbSNP rs140317793, ClinGen allele CA2618387.